The following is an entry in ClinVar:

ClinVar aggregate classification (germline): Uncertain significance (1 of 4 stars; one submission).

Conditions:
Anauxetic dysplasia. Identifiers: Orphanet 93347, MedGen C1846796, MONDO:0011773.

gnomAD v4.1: 3 of 700,338 alleles (0.00043%); highest among the groups gnomAD compares: East Asian, 0.0027%; no homozygotes.

Submission:

Labcorp Genetics (formerly Invitae), Labcorp
Classification: Uncertain significance for Anauxetic dysplasia. Last evaluated: 2022-04-11. Review status: criteria provided, single submitter. Criteria: Invitae Variant Classification Sherloc (09022015). Collection method: clinical testing. Allele origin: germline.
Comment: This variant occurs in the RMRP gene, which encodes an RNA molecule that does not result in a protein product. This variant is present in population databases (no rsID available, gnomAD 0.004%). This variant has not been reported in the literature in individuals affected with RMRP-related conditions. Experimental studies and prediction algorithms are not available or were not evaluated, and the functional significance of this variant is currently unknown. In summary, the available evidence is currently insufficient to determine the role of this variant in disease. Therefore, it has been classified as a Variant of Uncertain Significance.

NC_000009.12:g.35657841G>C

Gene: RMRP (RNA component of mitochondrial RNA processing endoribonuclease; minus strand). Cytogenetic location: 9p13.3.
Variant type: single nucleotide variant.
Genome position: GRCh38 VCF-style: chr9-35657841-G-C. GRCh37 (hg19) VCF-style: chr9-35657838-G-C.
Identifiers: ClinVar variation 2180075 (VCV002180075.1), dbSNP rs7021642, ClinGen allele CA192745585.